The following is an entry in ClinVar:

ClinVar aggregate classification (germline): Likely pathogenic (1 of 4 stars; one submission).

Conditions:
Multiple acyl-CoA dehydrogenase deficiency (MADD). Also called: Glutaric aciduria, type 2; ETHYLMALONIC-ADIPICACIDURIA; GA II; Glutaric acidemia type II; GA 2; Glutaric Acidemia type 2. Identifiers: Orphanet 26791, MedGen C0268596, MONDO:0009282, OMIM 231680.

Submission:

3billion
Classification: Likely pathogenic for Multiple acyl-CoA dehydrogenase deficiency. Last evaluated: 2025-06-04. Review status: criteria provided, single submitter. Criteria: ACMG Guidelines, 2015. Collection method: clinical testing. Allele origin: germline. Affected: yes.
Comment: The variant is not observed in the gnomAD v4.1.0 dataset. Predicted Consequence/Location: Frameshift: predicted to result in a loss or disruption of normal protein function through nonsense-mediated decay (NMD) or protein truncation. Multiple pathogenic variants are reported downstream of the variant. Therefore, this variant is classified as Likely pathogenic according to the recommendation of ACMG/AMP guideline.

NM_004453.4(ETFDH):c.459dup (p.Tyr154fs)

Gene: ETFDH (electron transfer flavoprotein dehydrogenase; plus strand). Cytogenetic location: 4q32.1.
Variant type: Duplication.
Coding change: c.459dup on transcript NM_004453.4 (MANE Select); coding-DNA position 459, one base duplicated (A; older notation c.459dupA).
Protein change: p.Tyr154fs; shifts the reading frame from tyrosine 154.
Molecular consequence: frameshift variant.
Genome position (GRCh38, 1-based): chr4:158,684,645, A duplicated; the last of 3 consecutive A bases (chr4:158,684,643-158,684,645); duplicating any one gives the same sequence. VCF-style (leftmost placement, unchanged base first): chr4-158684642-G-GA. GRCh37 (hg19) VCF-style: chr4-159605794-G-GA.
Other names: c.318dup, p.Tyr107fs (NM_001281737.2); c.276dup, p.Tyr93fs (NM_001281738.1); short protein forms Y107fs, Y154fs, Y93fs.
Identifiers: ClinVar variation 4855956 (VCV004855956.1).
Genomic context (GRCh38, chr4:158,684,642, plus strand): 5'-TTATTTCTAGGCTCCACTTAACACTCCTGTAACAGAAGACAGATTTGGAATTTTAACAGA[G>GA]AAATACAGAATTCCTGTGCCAATTCTTCCAGGTAAGGTATAGTGAATATGCATAGAACTA-3'